The following is an entry in ClinVar:

ClinVar aggregate classification (germline): Uncertain significance (1 of 4 stars; one submission).

Submission:

ISCA site 4
Classification: Uncertain significance. Last evaluated: 2011-08-12. Review status: criteria provided, single submitter. Criteria: Kaminsky et al. (Genet Med. 2011). Collection method: clinical testing. Allele origin: maternal. Affected: yes. Observed: 1 variant allele.
Comment: Copy number variation identified through the course of routine clinical cytogenomic testing in postnatal populations. Clinical assertions have been curated as described in Kaminsky et al. 2011.

GRCh38/hg38 Xp11.23(chrX:47820327-48344725)x2

Genes: SPACA5 (sperm acrosome associated 5; plus strand), SPACA5B (sperm acrosome associated 5B; plus strand), SSX1 (SSX family member 1; plus strand), SSX5 (SSX family member 5; minus strand), ZNF182 (zinc finger protein 182; minus strand) and 8 more. Cytogenetic location: Xp11.23.
Variant type: copy number gain.
Change: copy number 2 of chrX:47,820,327-48,344,725 (524.4 kb, GRCh38 coordinates, 1-based), cytogenetic band Xp11.23.
Identifiers: ClinVar variation 57067 (VCV000057067.1).